The following is an entry in ClinVar:

NM_014336.5(AIPL1):c.1054_1065dup (p.Ala352_Pro355dup)

Gene: AIPL1 (AIP like 1 HSP90 co-chaperone; minus strand). Cytogenetic location: 17p13.2.
Variant type: Duplication.
Coding change: c.1054_1065dup on transcript NM_014336.5 (MANE Select); coding-DNA positions 1054 to 1065, 12 bases duplicated (GCAGAGCCACCC).
Protein change: p.Ala352_Pro355dup.
Molecular consequence: inframe insertion. On other transcripts: 3 prime UTR variant (1).
Genome position (GRCh38, 1-based): chr17:6,425,550-6,425,561, GGGTGGCTCTGC duplicated on the plus strand (GCAGAGCCACCC on the coding strand, the reverse complement: AIPL1 is on the minus strand). VCF-style (leftmost placement, unchanged base first): chr17-6425549-T-TGGGTGGCTCTGC. GRCh37 (hg19) VCF-style: chr17-6328869-T-TGGGTGGCTCTGC.
Other names: NM_014336.5(AIPL1):c.1054_1065dup; p.Ala352_Pro355dup; c.865_876dup, p.Ala289_Pro292dup (NM_001033054.3); c.874_885dup, p.Ala292_Pro295dup (NM_001033055.3); c.1018_1029dup, p.Ala340_Pro343dup (NM_001285399.3); c.988_999dup, p.Ala330_Pro333dup (NM_001285400.3); c.982_993dup, p.Ala328_Pro331dup (NM_001285401.3); c.937_948dup, p.Ala313_Pro316dup (NM_001285402.2); and 1 more.
Identifiers: ClinVar variation 953315 (VCV000953315.8), dbSNP rs776145713, ClinGen allele CA8328319.

ClinVar aggregate classification (germline): Uncertain significance. Review status: reviewed by expert panel (3 of 4 stars). 5 submissions from 5 submitters: Uncertain significance (1). 4 of the submissions do not count toward it. Last evaluated 2025-09-29.

Conditions:
AIPL1-related retinopathy. Also called: AIPL1 retinopathy. Identifiers: MedGen CN305590, MONDO:0100438.
Retinal dystrophy. Also called: Inherited retinal dystrophy. Identifiers: Orphanet 71862, MedGen C0854723, MeSH D058499, MONDO:0019118, HP:0000556.
Leber congenital amaurosis 4 (LCA4). Identifiers: MedGen C1858386, MONDO:0011458, OMIM 604393.

Allele frequency attached by ClinVar (database versions not stated): TOPMed 0.00002; gnomAD 0.00005; gnomAD exomes 0.00005 and 0.00007; ExAC 0.00007.

Submissions (5):

ClinGen Leber Congenital Amaurosis/early Onset Retinal Dystrophy Variant Curation Expert Panel, ClinGen
Classification: Uncertain significance for AIPL1-related retinopathy. Last evaluated: 2025-09-29. Review status: reviewed by expert panel. Criteria: ClinGen LCAeoRD ACMG Specifications AIPL1 V1.0.0. Collection method: curation. Allele origin: germline. Inheritance: Autosomal recessive inheritance.
Comment: NM_014336.5(AIPL1):c.1054_1065dup (p.Ala352_Pro355dup) is predicted to cause a change in the length of the AIPL1 protein due to an in-frame duplication encoding 4 amino acids, with at least one of the neighboring base pairs highly conserved with a PhyloP conservation score of 2.1. However, this region of the protein is repetitive and specifically excluded from PM4. The splicing impact predictor SpliceAI gives a score of 0.10 for acceptor loss, which is below the ClinGen LCA/eoRD VCEP recommended threshold of ≥0.2 and does not strongly predict an impact on splicing. This variant is present in gnomAD v.4.1.0 at a total allele frequency of 0.00004961, with 80 / 1,612,666 total alleles, which is lower than the ClinGen LCA/eoRD VCEP PM2_Supporting threshold of <0.0004 (PM2_Supporting). This variant has been reported in at least 3 probands with retinal dystrophy who harbored the variant in the heterozygous state (PMID: 10873396, PMID: 33067476). However, the probands were not counted for PM3 because no second AIPL1 variant was identified in trans and because sufficient phenotype details were unavailable to confirm severity and age of onset. The exogenously expressed variant protein was similar to the wild-type control in its expression, cytoplasmic distribution, interaction with HSP90alpha and HSP90beta, and ability to modulate PDE6 activity in cGMP homeostasis (PMID: 33067476). However, these assays have not been approved for BS3_Supporting. In summary, this variant meets the criteria to be classified as a Variant of Uncertain Significance for AIPL1-related retinopathy based on the ACMG/AMP criteria applied, as specified by the ClinGen LCA/eoRD VCEP: PM2_Supporting. (VCEP specifications version 1.0.0; date of approval 09/24/2025).

Blueprint Genetics
Classification: Uncertain significance. Last evaluated: 2023-11-17. Review status: criteria provided, single submitter. Criteria: ACMG Guidelines, 2015. Collection method: clinical testing. Allele origin: germline. Not counted in ClinVar's aggregate classification.

Labcorp Genetics (formerly Invitae), Labcorp
Classification: Uncertain significance for Leber congenital amaurosis 4. Last evaluated: 2022-10-13. Review status: criteria provided, single submitter. Criteria: Invitae Variant Classification Sherloc (09022015). Collection method: clinical testing. Allele origin: germline. Not counted in ClinVar's aggregate classification.
Comment: This variant, c.1054_1065dup, results in the insertion of 4 amino acid(s) of the AIPL1 protein (p.Ala352_Pro355dup), but otherwise preserves the integrity of the reading frame. This variant is present in population databases (rs776145713, gnomAD 0.02%). This variant has not been reported in the literature in individuals affected with AIPL1-related conditions. ClinVar contains an entry for this variant (Variation ID: 953315). Experimental studies and prediction algorithms are not available or were not evaluated, and the functional significance of this variant is currently unknown. In summary, the available evidence is currently insufficient to determine the role of this variant in disease. Therefore, it has been classified as a Variant of Uncertain Significance.

Breakthrough Genomics
Classification: Uncertain significance. Review status: criteria provided, single submitter. Criteria: ACMG Guidelines, 2015. Collection method: not provided. Allele origin: germline. Inheritance: Autosomal recessive inheritance. Affected: yes. Not counted in ClinVar's aggregate classification.

Institute of Human Genetics, Univ. Regensburg, Univ. Regensburg
Classification: Uncertain significance for Retinal dystrophy. Last evaluated: 2022-01-01. Review status: no assertion criteria provided. Criteria: ACMG Guidelines, 2015. Collection method: clinical testing. Allele origin: germline. Affected: yes. Not counted in ClinVar's aggregate classification.